The following is an entry in ClinVar:

NM_004006.3(DMD):c.8390+2T>G

Gene: DMD (dystrophin; minus strand). Cytogenetic location: Xp21.1.
Variant type: single nucleotide variant.
Coding change: c.8390+2T>G on transcript NM_004006.3 (MANE Select); the canonical splice donor site of the intron after coding-DNA position 8390, T replaced by G.
Molecular consequence: splice donor variant.
Genome position (GRCh38, 1-based): chrX:31,507,279, A>C on the plus strand (T>G on the coding strand, the complement: DMD is on the minus strand). VCF-style: chrX-31507279-A-C. GRCh37 (hg19) VCF-style: chrX-31525396-A-C.
Other names: c.8366+2T>G (NM_000109.4); c.4367+2T>G (NM_004011.4); c.4358+2T>G (NM_004012.4); c.1010+2T>G (NM_004023.3, NM_004020.4, NM_004022.3 and 2 more transcripts); c.203+2T>G (NM_004014.3); c.8378+2T>G (NM_004009.3); c.8021+2T>G (NM_004010.3).
Identifiers: ClinVar variation 2138508 (VCV002138508.4), dbSNP rs863225013, ClinGen allele CA412656061.
Genomic context (GRCh38, chrX:31,507,279, plus strand): 5'-AATGAGGAAAATTTGGCCATTTTAATTCATTTGTGGCCTTTTTGCTCCACATCTTTTCCT[A>C]CCTAATGTTGAGAGACTTTTTCCGAAGTTCACTCCACTTGAAGTTCATGTTATCCAAACG-3'

ClinVar aggregate classification (germline): Pathogenic (1 of 4 stars; one submission).

Conditions:
Duchenne muscular dystrophy (DMD). Also called: MUSCULAR DYSTROPHY, PSEUDOHYPERTROPHIC PROGRESSIVE, DUCHENNE TYPE; Duchenne Muscular Dystrophy (DMD). Identifiers: Orphanet 98896, MedGen C0013264, MONDO:0010679, OMIM 310200.

Submission:

Labcorp Genetics (formerly Invitae), Labcorp
Classification: Pathogenic for Duchenne muscular dystrophy. Last evaluated: 2022-08-28. Review status: criteria provided, single submitter. Criteria: Invitae Variant Classification Sherloc (09022015). Collection method: clinical testing. Allele origin: germline.
Comment: Algorithms developed to predict the effect of sequence changes on RNA splicing suggest that this variant may disrupt the consensus splice site. Disruption of this splice site has been observed in individuals with DMD-related conditions (PMID: 19937601, 28181689, 33420945). This variant is not present in population databases (gnomAD no frequency). This sequence change affects a donor splice site in intron 56 of the DMD gene. It is expected to disrupt RNA splicing. Variants that disrupt the donor or acceptor splice site typically lead to a loss of protein function (PMID: 16199547), and loss-of-function variants in DMD are known to be pathogenic (PMID: 16770791, 25007885). For these reasons, this variant has been classified as Pathogenic.

Literature cited by the submitters: PubMed 19937601; PubMed 28181689; PubMed 33420945; PubMed 16199547; PubMed 16770791; PubMed 25007885.